The following is an entry in ClinVar:

NM_001304438.2(TMEM132E):c.3097G>A (p.Ala1033Thr)

Gene: TMEM132E (transmembrane protein 132E; plus strand). Cytogenetic location: 17q12.
Variant type: single nucleotide variant.
Coding change: c.3097G>A on transcript NM_001304438.2 (MANE Select); coding-DNA position 3097, G replaced by A.
Protein change: p.Ala1033Thr; replaces alanine 1033 with threonine.
Molecular consequence: missense variant.
Genome position (GRCh38, 1-based): chr17:34,638,104, G>A. VCF-style: chr17-34638104-G-A. GRCh37 (hg19) VCF-style: chr17-32965123-G-A.
Other names: short protein forms A1033T.
Identifiers: ClinVar variation 2111829 (VCV002111829.4), dbSNP rs560034204, ClinGen allele CA8497083.

ClinVar aggregate classification (germline): Uncertain significance (1 of 4 stars; one submission).

Allele frequency attached by ClinVar (database versions not stated): TOPMed below 0.00001; gnomAD 0.00001; gnomAD exomes 0.00003; 1000 Genomes Project 30x 0.00016; ExAC 0.00019; 1000 Genomes Project 0.00020.
gnomAD v4.1: 19 of 1,599,318 alleles (0.0012%); highest among the groups gnomAD compares: East Asian, 0.036%; no homozygotes.

Submission:

Labcorp Genetics (formerly Invitae), Labcorp
Classification: Uncertain significance. Last evaluated: 2022-03-14. Review status: criteria provided, single submitter. Criteria: Invitae Variant Classification Sherloc (09022015). Collection method: clinical testing. Allele origin: germline.
Comment: In summary, the available evidence is currently insufficient to determine the role of this variant in disease. Therefore, it has been classified as a Variant of Uncertain Significance. Algorithms developed to predict the effect of missense changes on protein structure and function are either unavailable or do not agree on the potential impact of this missense change (SIFT: "Tolerated"; PolyPhen-2: "Not Available"; Align-GVGD: "Class C0"). This variant has not been reported in the literature in individuals affected with TMEM132E-related conditions. This variant is present in population databases (rs560034204, gnomAD 0.06%). This sequence change replaces alanine, which is neutral and non-polar, with threonine, which is neutral and polar, at codon 1033 of the TMEM132E protein (p.Ala1033Thr).